The following is an entry in ClinVar:

ClinVar aggregate classification (germline): Conflicting classifications of pathogenicity. Review status: criteria provided, conflicting classifications (1 of 4 stars). 3 submissions from 3 submitters: Pathogenic (2); Uncertain significance (1). Last evaluated 2026-04-14.

Conditions:
Baraitser-Winter syndrome 1 (BRWS1). Also called: BARAITSER-WINTER SYNDROME 1, ATYPICAL; PACHYGYRIA, MENTAL RETARDATION, EPILEPSY, AND CHARACTERISTIC FACIES; MENTAL RETARDATION WITH EPILEPSY AND CHARACTERISTIC FACIES; Cerebrofrontofacial syndrome. Identifiers: Orphanet 2649, Orphanet 2995, MedGen C1855722, MONDO:0009470, OMIM 243310.

Submissions (3):

GeneDx
Classification: Pathogenic. Last evaluated: 2026-04-14. Review status: criteria provided, single submitter. Criteria: GeneDx Variant Classification Process June 2021. Collection method: clinical testing. Allele origin: germline.
Comment: Not observed at significant frequency in large population cohorts (gnomAD); Missense variants in this gene are a common cause of disease and they are underrepresented in the general population; In silico analysis supports that this missense variant has a deleterious effect on protein structure/function; Observed in large aggregate dataset examining de novo variants in patients with various developmental disorders; This variant is associated with the following publications: (PMID: 37500730, 28818945)

Institute of Human Genetics, Heidelberg University
Classification: Pathogenic for Baraitser-Winter syndrome 1. Last evaluated: 2023-12-15. Review status: criteria provided, single submitter. Criteria: ACMG Guidelines, 2015. Collection method: clinical testing. Allele origin: de novo. Affected: yes.

Labcorp Genetics (formerly Invitae), Labcorp
Classification: Uncertain significance for Baraitser-Winter syndrome 1. Last evaluated: 2019-11-03. Review status: criteria provided, single submitter. Criteria: Invitae Variant Classification Sherloc (09022015). Collection method: clinical testing. Allele origin: germline.
Comment: In summary, the available evidence is currently insufficient to determine the role of this variant in disease. Therefore, it has been classified as a Variant of Uncertain Significance. Algorithms developed to predict the effect of missense changes on protein structure and function are either unavailable or do not agree on the potential impact of this missense change (SIFT: "Deleterious"; PolyPhen-2: "Benign"; Align-GVGD: "Class C65"). This variant has not been reported in the literature in individuals with ACTB-related conditions. This variant is not present in population databases (ExAC no frequency). This sequence change replaces proline with serine at codon 164 of the ACTB protein (p.Pro164Ser). The proline residue is highly conserved and there is a moderate physicochemical difference between proline and serine.

NM_001101.5(ACTB):c.490C>T (p.Pro164Ser)

Gene: ACTB (actin beta; minus strand). Cytogenetic location: 7p22.1.
Variant type: single nucleotide variant.
Coding change: c.490C>T on transcript NM_001101.5 (MANE Select); coding-DNA position 490, C replaced by T.
Protein change: p.Pro164Ser; replaces proline 164 with serine.
Molecular consequence: missense variant.
Genome position (GRCh38, 1-based): chr7:5,528,593, G>A on the plus strand (C>T on the coding strand, the complement: ACTB is on the minus strand). VCF-style: chr7-5528593-G-A. GRCh37 (hg19) VCF-style: chr7-5568224-G-A.
Other names: short protein forms P164S.
Identifiers: ClinVar variation 957167 (VCV000957167.12), dbSNP rs1784814856, ClinGen allele CA366703371.